The following is an entry in ClinVar:

ClinVar aggregate classification (germline): Likely benign. Review status: criteria provided, single submitter (1 of 4 stars). 2 submissions from 2 submitters: Likely benign (1). 1 of the submissions does not count toward it. Last evaluated 2023-09-27.

Conditions:
PCNT-related disorder. Also called: PCNT-related condition.

Allele frequency attached by ClinVar (database versions not stated): gnomAD exomes below 0.00001; gnomAD 0.00001; TOPMed 0.00007.
gnomAD v4.1: 6 of 1,613,190 alleles (0.00037%); highest among the groups gnomAD compares: East Asian, 0.0022%; no homozygotes.

Submissions (2):

Labcorp Genetics (formerly Invitae), Labcorp
Classification: Likely benign. Last evaluated: 2023-09-27. Review status: criteria provided, single submitter. Criteria: Invitae Variant Classification Sherloc (09022015). Collection method: clinical testing. Allele origin: germline.

PreventionGenetics, part of Exact Sciences
Classification: Likely benign for PCNT-related condition. Last evaluated: 2022-07-29. Review status: no assertion criteria provided. Collection method: clinical testing. Allele origin: germline. Not counted in ClinVar's aggregate classification.
Comment: This variant is classified as likely benign based on ACMG/AMP sequence variant interpretation guidelines (Richards et al. 2015 PMID: 25741868, with internal and published modifications).

NM_006031.6(PCNT):c.7180-10C>G

Gene: PCNT (pericentrin; plus strand). Cytogenetic location: 21q22.3.
Variant type: single nucleotide variant.
Coding change: c.7180-10C>G on transcript NM_006031.6 (MANE Select); 10 bases into the intron before coding-DNA position 7180, C replaced by G.
Molecular consequence: intron variant.
Genome position (GRCh38, 1-based): chr21:46,425,821, C>G. VCF-style: chr21-46425821-C-G. GRCh37 (hg19) VCF-style: chr21-47845735-C-G.
Other names: c.7180-10C>G (NM_006031.5); c.6826-10C>G (NM_001315529.2).
Identifiers: ClinVar variation 3019986 (VCV003019986.4), dbSNP rs1025728486, ClinGen allele CA322009054.